The following is an entry in ClinVar:

ClinVar aggregate classification (germline): Uncertain significance (1 of 4 stars; one submission).

Conditions:
Primary ciliary dyskinesia. Also called: Ciliary dyskinesia. Identifiers: Orphanet 244, MedGen C0008780, MONDO:0016575, HP:0012265.

Allele frequency attached by ClinVar (database versions not stated): TOPMed below 0.00001; gnomAD 0.00001.
gnomAD v4.1: 9 of 1,550,860 alleles (0.00058%); highest among the groups gnomAD compares: Middle Eastern, 0.017%; no homozygotes.

Submission:

Labcorp Genetics (formerly Invitae), Labcorp
Classification: Uncertain significance for Primary ciliary dyskinesia. Last evaluated: 2021-06-18. Review status: criteria provided, single submitter. Criteria: Invitae Variant Classification Sherloc (09022015). Collection method: clinical testing. Allele origin: germline.
Comment: In summary, the available evidence is currently insufficient to determine the role of this variant in disease. Therefore, it has been classified as a Variant of Uncertain Significance. Algorithms developed to predict the effect of missense changes on protein structure and function output the following: SIFT: "Tolerated"; PolyPhen-2: "Benign"; Align-GVGD: "Class C0". The histidine amino acid residue is found in multiple mammalian species, suggesting that this missense change does not adversely affect protein function. These predictions have not been confirmed by published functional studies and their clinical significance is uncertain. This variant has not been reported in the literature in individuals with CCDC114-related disease. This variant is not present in population databases (ExAC no frequency). This sequence change replaces glutamine with histidine at codon 132 of the CCDC114 protein (p.Gln132His). The glutamine residue is moderately conserved and there is a small physicochemical difference between glutamine and histidine.

NM_001364171.2(ODAD1):c.507G>C (p.Gln169His)

Gene: ODAD1 (outer dynein arm docking complex subunit 1; minus strand). Cytogenetic location: 19q13.33.
Variant type: single nucleotide variant.
Coding change: c.507G>C on transcript NM_001364171.2 (MANE Select); coding-DNA position 507, G replaced by C.
Protein change: p.Gln169His; replaces glutamine 169 with histidine.
Molecular consequence: missense variant.
Genome position (GRCh38, 1-based): chr19:48,311,643, C>G on the plus strand (G>C on the coding strand, the complement: ODAD1 is on the minus strand). VCF-style: chr19-48311643-C-G. GRCh37 (hg19) VCF-style: chr19-48814900-C-G.
Other names: c.396G>C, p.Gln132His (NM_144577.4); short protein forms Q132H, Q169H.
Identifiers: ClinVar variation 649198 (VCV000649198.9), dbSNP rs1469941166, ClinGen allele CA406664287.